The following is an entry in ClinVar:

ClinVar aggregate classification (germline): Likely pathogenic (1 of 4 stars; one submission).

Conditions:
Primary ciliary dyskinesia 15. Also called: CILIARY DYSKINESIA, PRIMARY, 15, WITH OR WITHOUT SITUS INVERSUS. Identifiers: Orphanet 244, MedGen C3151137, MONDO:0013435, OMIM 613808.

gnomAD v4.1: 2 of 1,461,310 alleles (0.00014%); highest among the groups gnomAD compares: East Asian, 0.0057%; no homozygotes.

Submission:

Juno Genomics, Hangzhou Juno Genomics, Inc
Classification: Likely pathogenic for Primary ciliary dyskinesia 15. Review status: criteria provided, single submitter. Criteria: ACMG Guidelines, 2015. Collection method: clinical testing. Allele origin: germline.
Comment: Absent from controls (or at extremely low frequency if recessive) in Genome Aggregation Database.;Null variant in a gene where loss of function (LOF) is a known mechanism of disease.

NM_017950.4(CCDC40):c.29+2T>G

Gene: CCDC40 (coiled-coil domain 40 molecular ruler complex subunit; plus strand). Cytogenetic location: 17q25.3.
Variant type: single nucleotide variant.
Coding change: c.29+2T>G on transcript NM_017950.4 (MANE Select); the canonical splice donor site of the intron after coding-DNA position 29, T replaced by G.
Molecular consequence: splice donor variant.
Genome position (GRCh38, 1-based): chr17:80,036,693, T>G. VCF-style: chr17-80036693-T-G. GRCh37 (hg19) VCF-style: chr17-78010492-T-G.
Other names: c.29+2T>G (NM_001243342.2, NM_001330508.2).
Identifiers: ClinVar variation 5019104 (VCV005019104.2).